The following is an entry in ClinVar:

NM_004960.4(FUS):c.656G>T (p.Gly219Val)

Gene: FUS (FUS RNA binding protein; plus strand). Cytogenetic location: 16p11.2.
Variant type: single nucleotide variant.
Coding change: c.656G>T on transcript NM_004960.4 (MANE Select); coding-DNA position 656, G replaced by T.
Protein change: p.Gly219Val; replaces glycine 219 with valine.
Molecular consequence: missense variant. On other transcripts: non-coding transcript variant (1).
Genome position (GRCh38, 1-based): chr16:31,185,071, G>T. VCF-style: chr16-31185071-G-T. GRCh37 (hg19) VCF-style: chr16-31196392-G-T.
Other names: c.653G>T, p.Gly218Val (NM_001170634.1); c.644G>T, p.Gly215Val (NM_001170937.1); short protein forms G215V, G218V, G219V.
Identifiers: ClinVar variation 1754237 (VCV001754237.2), dbSNP rs2544257193, ClinGen allele CA395670039.

ClinVar aggregate classification (germline): Uncertain significance (1 of 4 stars; one submission).

Conditions:
Inborn genetic diseases. Identifiers: MedGen C0950123, MeSH D030342.

Submission:

Ambry Genetics
Classification: Uncertain significance for Inborn genetic diseases. Last evaluated: 2022-09-23. Review status: criteria provided, single submitter. Criteria: Ambry Variant Classification Scheme 2023. Collection method: clinical testing. Allele origin: germline.
Comment: The p.G219V variant (also known as c.656G>T), located in coding exon 6 of the FUS gene, results from a G to T substitution at nucleotide position 656. The glycine at codon 219 is replaced by valine, an amino acid with dissimilar properties. This amino acid position is highly conserved in available vertebrate species. In addition, the in silico prediction for this alteration is inconclusive. Since supporting evidence is limited at this time, the clinical significance of this alteration remains unclear.